The following is an entry in ClinVar:

NM_001042492.3(NF1):c.6643-19A>G

Gene: NF1 (neurofibromin 1; plus strand). Cytogenetic location: 17q11.2.
Variant type: single nucleotide variant.
Coding change: c.6643-19A>G on transcript NM_001042492.3 (MANE Select); 19 bases into the intron before coding-DNA position 6643, A replaced by G.
Molecular consequence: intron variant.
Genome position (GRCh38, 1-based): chr17:31,337,800, A>G. VCF-style: chr17-31337800-A-G. GRCh37 (hg19) VCF-style: chr17-29664818-A-G.
Other names: c.6580-19A>G (NM_000267.4).
Identifiers: ClinVar variation 1555655 (VCV001555655.10), dbSNP rs544476647, ClinGen allele CA8487387.

ClinVar aggregate classification (germline): Likely benign. Review status: criteria provided, multiple submitters, no conflicts (2 of 4 stars). 3 submissions from 3 submitters: Likely benign (3). Last evaluated 2026-05-13.

Conditions:
Neurofibromatosis, type 1 (NF1). Also called: VON RECKLINGHAUSEN DISEASE; Neurofibromatosis, type I; NEUROFIBROMATOSIS, TYPE I, SOMATIC; Peripheral type neurofibromatosis. Identifiers: Orphanet 636, MedGen C0027831, MONDO:0018975, OMIM 162200. Disease mechanism: loss of function.

Allele frequency attached by ClinVar (database versions not stated): TOPMed 0.00006; ExAC 0.00001; gnomAD 0.00003; gnomAD exomes 0.00001; 1000 Genomes Project 30x 0.00016; 1000 Genomes Project 0.00020.
gnomAD v4.1: 17 of 1,612,256 alleles (0.0011%); highest among the groups gnomAD compares: African/African-American, 0.02%; no homozygotes.

Submissions (3):

Myriad Genetics, Inc.
Classification: Likely benign for Neurofibromatosis, type 1. Last evaluated: 2026-05-13. Review status: criteria provided, single submitter. Criteria: Myriad Autosomal Dominant, Autosomal Recessive and X-Linked Classification Criteria (2023). Collection method: clinical testing. Allele origin: unknown.
Comment: This variant is considered likely benign. This variant is intronic and is not expected to impact mRNA splicing.

Labcorp Genetics (formerly Invitae), Labcorp
Classification: Likely benign for Neurofibromatosis, type 1. Last evaluated: 2025-12-14. Review status: criteria provided, single submitter. Criteria: Invitae Variant Classification Sherloc (09022015). Collection method: clinical testing. Allele origin: germline.

ARUP Laboratories, Molecular Genetics and Genomics, ARUP Laboratories
Classification: Likely benign. Last evaluated: 2023-06-19. Review status: criteria provided, single submitter. Criteria: ARUP Molecular Germline Variant Investigation Process 2024. Collection method: clinical testing. Allele origin: germline.